The following is an entry in ClinVar:

NM_001613.4(ACTA2):c.989A>C (p.Lys330Thr)

Genes: ACTA2 (actin alpha 2, smooth muscle; minus strand), ACTA2-AS1 (ACTA2 antisense RNA 1; plus strand). Cytogenetic location: 10q23.31.
Variant type: single nucleotide variant.
Coding change: c.989A>C on transcript NM_001613.4 (MANE Select); coding-DNA position 989, A replaced by C.
Protein change: p.Lys330Thr; replaces lysine 330 with threonine.
Molecular consequence: missense variant.
Genome position (GRCh38, 1-based): chr10:88,938,062, T>G on the plus strand (A>C on the coding strand, the complement: ACTA2 is on the minus strand). VCF-style: chr10-88938062-T-G. GRCh37 (hg19) VCF-style: chr10-90697819-T-G.
Other names: c.989A>C, p.Lys330Thr (NM_001141945.3, NM_001320855.2, NM_001406462.1 and 2 more transcripts); c.878A>C, p.Lys293Thr (NM_001406466.1); c.860A>C, p.Lys287Thr (NM_001406467.1, NM_001406468.1, NM_001406469.1); c.797A>C, p.Lys266Thr (NM_001406471.1); short protein forms K266T, K293T, K287T, K330T.
Identifiers: ClinVar variation 2705209 (VCV002705209.3), dbSNP rs2494518305, ClinGen allele CA377510645.

ClinVar aggregate classification (germline): Uncertain significance (1 of 4 stars; one submission).

Conditions:
Aortic aneurysm, familial thoracic 6 (AAT6). Also called: FAMILIAL THORACIC AORTIC ANEURYSM WITH LIVEDO RETICULARIS AND IRIS FLOCCULI. Identifiers: MedGen C2673186, MONDO:0012730, OMIM 611788.

Submission:

Labcorp Genetics (formerly Invitae), Labcorp
Classification: Uncertain significance for Aortic aneurysm, familial thoracic 6. Last evaluated: 2023-06-09. Review status: criteria provided, single submitter. Criteria: Invitae Variant Classification Sherloc (09022015). Collection method: clinical testing. Allele origin: germline.
Comment: In summary, the available evidence is currently insufficient to determine the role of this variant in disease. Therefore, it has been classified as a Variant of Uncertain Significance. Algorithms developed to predict the effect of sequence changes on RNA splicing suggest that this variant may create or strengthen a splice site. An algorithm developed to predict the effect of missense changes on protein structure and function (PolyPhen-2) suggests that this variant is likely to be disruptive. This variant has not been reported in the literature in individuals affected with ACTA2-related conditions. This variant is not present in population databases (gnomAD no frequency). This sequence change replaces lysine, which is basic and polar, with threonine, which is neutral and polar, at codon 330 of the ACTA2 protein (p.Lys330Thr).